The following is an entry in ClinVar:

Conditions:
Long QT syndrome 5 (LQT5). Identifiers: Orphanet 101016, Orphanet 768, MedGen C1867904, MONDO:0013372, OMIM 613695.

Submission:

Roden Lab, Vanderbilt University Medical Center
No classification provided (evidence only). Condition: Long QT syndrome 5. Review status: no classification provided. Collection method: in vitro. Allele origin: not applicable. Functional consequence: Effect on ion channel function.
ClinVar note: "not provided" was previously submitted as the classification for the variant. However, the classification appeared to be based only on an observation of functional data so it was converted to no classification on 2025-07-30.

NM_000219.6(KCNE1):c.21A>T (p.Thr7=)

Gene: KCNE1 (potassium voltage-gated channel subfamily E regulatory subunit 1; minus strand). Cytogenetic location: 21q22.12.
Variant type: single nucleotide variant.
Coding change: c.21A>T on transcript NM_000219.6 (MANE Select); coding-DNA position 21, A replaced by T.
Protein change: p.Thr7=; no amino-acid change (threonine 7 retained).
Molecular consequence: synonymous variant.
Genome position (GRCh38, 1-based): chr21:34,449,614, T>A on the plus strand (A>T on the coding strand, the complement: KCNE1 is on the minus strand). VCF-style: chr21-34449614-T-A. GRCh37 (hg19) VCF-style: chr21-35821912-T-A.
Other names: c.21A>T, p.Thr7= (NM_001127668.4, NM_001127669.4, NM_001127670.4 and 4 more transcripts).
Identifiers: ClinVar variation 3374349 (VCV003374349.2).